The following is an entry in ClinVar:

NM_032730.5(RTN4IP1):c.1063G>T (p.Glu355Ter)

Gene: RTN4IP1 (reticulon 4 interacting protein 1; minus strand). Cytogenetic location: 6q21.
Variant type: single nucleotide variant.
Coding change: c.1063G>T on transcript NM_032730.5 (MANE Select); coding-DNA position 1063, G replaced by T.
Protein change: p.Glu355Ter; replaces glutamic acid 355 with a stop codon.
Molecular consequence: nonsense.
Genome position (GRCh38, 1-based): chr6:106,583,348, C>A on the plus strand (G>T on the coding strand, the complement: RTN4IP1 is on the minus strand). VCF-style: chr6-106583348-C-A. GRCh37 (hg19) VCF-style: chr6-107031223-C-A.
Other names: c.763G>T, p.Glu255Ter (NM_001318746.1); short protein forms E355*, E255*.
Identifiers: ClinVar variation 2804911 (VCV002804911.3), dbSNP rs2482300438, ClinGen allele CA365150213.

ClinVar aggregate classification (germline): Pathogenic (1 of 4 stars; one submission).

Submission:

Labcorp Genetics (formerly Invitae), Labcorp
Classification: Pathogenic. Last evaluated: 2022-10-27. Review status: criteria provided, single submitter. Criteria: Invitae Variant Classification Sherloc (09022015). Collection method: clinical testing. Allele origin: germline.
Comment: This variant disrupts a region of the RTN4IP1 protein in which other variant(s) (p.Arg388*) have been determined to be pathogenic (PMID: 31077085). This suggests that this is a clinically significant region of the protein, and that variants that disrupt it are likely to be disease-causing. Algorithms developed to predict the effect of sequence changes on RNA splicing suggest that this variant may disrupt the consensus splice site. This variant has not been reported in the literature in individuals affected with RTN4IP1-related conditions. This variant is not present in population databases (gnomAD no frequency). This sequence change creates a premature translational stop signal (p.Glu355*) in the RTN4IP1 gene. While this is not anticipated to result in nonsense mediated decay, it is expected to disrupt the last 42 amino acid(s) of the RTN4IP1 protein. For these reasons, this variant has been classified as Pathogenic.

Literature cited by the submitters: PubMed 31077085.